The following is an entry in ClinVar:

ClinVar aggregate classification (germline): Pathogenic. Review status: criteria provided, multiple submitters, no conflicts (2 of 4 stars). 2 submissions from 2 submitters: Pathogenic (2). Last evaluated 2025-01-07.

Conditions:
Lafora disease. Also called: Epilepsy progressive myoclonic 2; Progressive Myoclonus Epilepsy, Lafora Type. Identifiers: Orphanet 501, MedGen C0751783, MONDO:0009697.
Progressive myoclonic epilepsy. Also called: Myoclonic Epilepsies, Progressive; Myoclonus epilepsy; Familial progressive myoclonic epilepsy; Progressive myoclonus epilepsy. Identifiers: Orphanet 308, Orphanet 98261, MedGen C0751778, MONDO:0020074.

gnomAD v4.1: 4 of 1,539,086 alleles (0.00026%); highest among the groups gnomAD compares: Non-Finnish European, 0.00035%; no homozygotes.

Submissions (2):

Broad Center for Mendelian Genomics, Broad Institute of MIT and Harvard
Classification: Pathogenic for Lafora disease. Last evaluated: 2025-01-07. Review status: criteria provided, single submitter. Criteria: ACMG Guidelines, 2015. Collection method: curation. Allele origin: germline. Inheritance: Autosomal recessive inheritance.
Comment: The p.Tyr86Ter variant in EPM2A has been reported, in the homozygous state, in 1 individual with Lafora disease (PMID: 10932264), and has been identified in 0.0004% (4/1074368) of European (non-Finnish) chromosomes by the Genome Aggregation Database (gnomAD; dbSNP rs750988816). Although this variant has been seen in the general population in a heterozygous state, its frequency is low enough to be consistent with a recessive carrier frequency. This variant has also been reported in ClinVar (Variation ID: 1451802) and has been interpreted as pathogenic by Invitae. This nonsense variant leads to a premature termination codon at position 86, which is predicted to lead to a truncated or absent protein. Loss of function of the EPM2A gene is an established disease mechanism in autosomal recessive Lafora disease. In summary, this variant meets criteria to be classified as pathogenic for autosomal recessive Lafora disease. ACMG/AMP Criteria applied: PVS1, PM2_supporting, PM3_supporting (Richards 2015).

Labcorp Genetics (formerly Invitae), Labcorp
Classification: Pathogenic for Progressive myoclonic epilepsy. Last evaluated: 2024-10-08. Review status: criteria provided, single submitter. Criteria: Invitae Variant Classification Sherloc (09022015). Collection method: clinical testing. Allele origin: germline.
Comment: This sequence change creates a premature translational stop signal (p.Tyr86*) in the EPM2A gene. It is expected to result in an absent or disrupted protein product. Loss-of-function variants in EPM2A are known to be pathogenic (PMID: 20738377). This variant is not present in population databases (gnomAD no frequency). This premature translational stop signal has been observed in individual(s) with progressive myoclonic epilepsy (PMID: 10932264). ClinVar contains an entry for this variant (Variation ID: 1451802). For these reasons, this variant has been classified as Pathogenic.

Literature cited by the submitters: PubMed 20738377 (cited by Labcorp Genetics (formerly Invitae), Labcorp); PubMed 10932264 (cited by Labcorp Genetics (formerly Invitae), Labcorp).

NM_005670.4(EPM2A):c.258C>G (p.Tyr86Ter)

Genes: EPM2A (EPM2A glucan phosphatase, laforin; minus strand), EPM2A-DT (EPM2A divergent transcript; plus strand), LOC129997381 (ATAC-STARR-seq lymphoblastoid silent region 17642; plus strand). Cytogenetic location: 6q24.3.
Variant type: single nucleotide variant.
Coding change: c.258C>G on transcript NM_005670.4 (MANE Select); coding-DNA position 258, C replaced by G.
Protein change: p.Tyr86Ter; replaces tyrosine 86 with a stop codon.
Molecular consequence: nonsense. On other transcripts: 5 prime UTR variant (2), intron variant (2).
Genome position (GRCh38, 1-based): chr6:145,735,241, G>C on the plus strand (C>G on the coding strand, the complement: EPM2A is on the minus strand). VCF-style: chr6-145735241-G-C. GRCh37 (hg19) VCF-style: chr6-146056377-G-C.
Other names: NM_005670.4(EPM2A):c.258C>G; p.Tyr86Ter; c.258C>G, p.Tyr86Ter (NM_001018041.2, NM_001360057.2, NM_001368130.1); c.-412C>G (NM_001360071.2); c.-366C>G (NM_001368129.2); c.-114+667C>G (NM_001360064.2); c.-114+4C>G (NM_001368131.1); short protein forms Y86*.
Identifiers: ClinVar variation 1451802 (VCV001451802.7), dbSNP rs750988816, ClinGen allele CA366187926.